The following is an entry in ClinVar:

NM_001148.6(ANK2):c.1753C>T (p.Arg585Cys)

Gene: ANK2 (ankyrin 2; plus strand). Cytogenetic location: 4q26.
Variant type: single nucleotide variant.
Coding change: c.1753C>T on transcript NM_001148.6 (MANE Select); coding-DNA position 1753, C replaced by T.
Protein change: p.Arg585Cys; replaces arginine 585 with cysteine.
Molecular consequence: missense variant.
Genome position (GRCh38, 1-based): chr4:113,277,906, C>T. VCF-style: chr4-113277906-C-T. GRCh37 (hg19) VCF-style: chr4-114199062-C-T.
Other names: c.1690C>T, p.Arg564Cys (NM_001127493.3, NM_001354243.2, NM_001354244.2 and 14 more transcripts); c.1753C>T, p.Arg585Cys (NM_001354225.2, NM_001354228.2, NM_001354232.2 and 8 more transcripts); c.1798C>T, p.Arg600Cys (NM_001354241.2, NM_001354242.2, NM_001354230.2 and 5 more transcripts); c.1666C>T, p.Arg556Cys (NM_001354249.2, NM_001354260.2, NM_001354264.2 and 13 more transcripts); c.1711C>T, p.Arg571Cys (NM_001354261.2, NM_001386147.1, NM_001386160.1); c.1543C>T, p.Arg515Cys (NM_001354269.3); c.1555C>T, p.Arg519Cys (NM_001354273.2); c.1468C>T, p.Arg490Cys (NM_001354277.2, NM_001386157.1, NM_001386158.1); and 4 more; short protein forms R515C, R519C, R594C, R556C, R564C, R571C, R585C, R581C.
Identifiers: ClinVar variation 1779430 (VCV001779430.2), dbSNP rs747860838, ClinGen allele CA3050361.

ClinVar aggregate classification (germline): Uncertain significance (1 of 4 stars; one submission).

Conditions:
Cardiovascular phenotype. Identifiers: MedGen CN230736.

Allele frequency attached by ClinVar (database versions not stated): gnomAD exomes 0.00001; ExAC 0.00004.
gnomAD v4.1: 19 of 1,613,946 alleles (0.0012%); highest among the groups gnomAD compares: South Asian, 0.018%; no homozygotes.

Submission:

Ambry Genetics
Classification: Uncertain significance for Cardiovascular phenotype. Last evaluated: 2022-10-27. Review status: criteria provided, single submitter. Criteria: Ambry Variant Classification Scheme 2023. Collection method: clinical testing. Allele origin: germline.
Comment: The p.R585C variant (also known as c.1753C>T), located in coding exon 16 of the ANK2 gene, results from a C to T substitution at nucleotide position 1753. The arginine at codon 585 is replaced by cysteine, an amino acid with highly dissimilar properties. This amino acid position is conserved. In addition, the in silico prediction for this alteration is inconclusive. Since supporting evidence is limited at this time, the clinical significance of this alteration remains unclear.